The following is an entry in ClinVar:

ClinVar aggregate classification (germline): Likely benign. Review status: criteria provided, single submitter (1 of 4 stars). 2 submissions from 2 submitters: Likely benign (1). 1 of the submissions does not count toward it. Last evaluated 2023-03-26.

Conditions:
PLXNA2-related disorder. Also called: PLXNA2-related condition.

Allele frequency attached by ClinVar (database versions not stated): gnomAD exomes below 0.00001; ExAC 0.00002; gnomAD 0.00003; TOPMed 0.00005.
gnomAD v4.1: 12 of 1,614,124 alleles (0.00074%); highest among the groups gnomAD compares: African/African-American, 0.0093%; no homozygotes.

Submissions (2):

Labcorp Genetics (formerly Invitae), Labcorp
Classification: Likely benign. Last evaluated: 2023-03-26. Review status: criteria provided, single submitter. Criteria: Invitae Variant Classification Sherloc (09022015). Collection method: clinical testing. Allele origin: germline.

PreventionGenetics, part of Exact Sciences
Classification: Likely benign for PLXNA2-related condition. Last evaluated: 2022-08-02. Review status: no assertion criteria provided. Collection method: clinical testing. Allele origin: germline. Not counted in ClinVar's aggregate classification.
Comment: This variant is classified as likely benign based on ACMG/AMP sequence variant interpretation guidelines (Richards et al. 2015 PMID: 25741868, with internal and published modifications).

NM_025179.4(PLXNA2):c.4179C>T (p.Gly1393=)

Gene: PLXNA2 (plexin A2; minus strand). Cytogenetic location: 1q32.2.
Variant type: single nucleotide variant.
Coding change: c.4179C>T on transcript NM_025179.4 (MANE Select); coding-DNA position 4179, C replaced by T.
Protein change: p.Gly1393=; no amino-acid change (glycine 1393 retained).
Molecular consequence: synonymous variant.
Genome position (GRCh38, 1-based): chr1:208,042,205, G>A on the plus strand (C>T on the coding strand, the complement: PLXNA2 is on the minus strand). VCF-style: chr1-208042205-G-A. GRCh37 (hg19) VCF-style: chr1-208215550-G-A.
Other names: c.4179C>T (NM_025179.3).
Identifiers: ClinVar variation 3012045 (VCV003012045.4), dbSNP rs750619774, ClinGen allele CA1372950.